The following is an entry in ClinVar:

ClinVar aggregate classification (germline): Uncertain significance (1 of 4 stars; one submission).

Conditions:
Absence seizure. Also called: Absence epilepsy. Identifiers: Orphanet 1941, MedGen C0014553.
Myoclonic epilepsy, juvenile, susceptibility to, 1. Also called: Myoclonic Epilepsy, Juvenile, 1; EJM1. Identifiers: MedGen C1850778, MONDO:0020752, OMIM 254770.

Allele frequency attached by ClinVar (database versions not stated): gnomAD exomes below 0.00001; ExAC 0.00001; gnomAD 0.00001 and 0.00002; TOPMed 0.00001; 1000 Genomes Project 0.00020; 1000 Genomes Project 30x 0.00031.
gnomAD v4.1: 4 of 1,614,090 alleles (0.00025%); highest among the groups gnomAD compares: African/African-American, 0.0027%; no homozygotes.

Submission:

Labcorp Genetics (formerly Invitae), Labcorp
Classification: Uncertain significance for Myoclonic epilepsy, juvenile, susceptibility to, 1; Absence seizure. Last evaluated: 2022-08-16. Review status: criteria provided, single submitter. Criteria: Invitae Variant Classification Sherloc (09022015). Collection method: clinical testing. Allele origin: germline.
Comment: This variant has not been reported in the literature in individuals affected with EFHC1-related conditions. This variant is present in population databases (rs536323609, gnomAD 0.008%). This sequence change replaces tyrosine, which is neutral and polar, with cysteine, which is neutral and slightly polar, at codon 266 of the EFHC1 protein (p.Tyr266Cys). In summary, the available evidence is currently insufficient to determine the role of this variant in disease. Therefore, it has been classified as a Variant of Uncertain Significance. Algorithms developed to predict the effect of missense changes on protein structure and function (SIFT, PolyPhen-2, Align-GVGD) all suggest that this variant is likely to be disruptive. ClinVar contains an entry for this variant (Variation ID: 570748).

NM_018100.4(EFHC1):c.797A>G (p.Tyr266Cys)

Gene: EFHC1 (EF-hand domain containing 1; plus strand). Cytogenetic location: 6p12.2.
Variant type: single nucleotide variant.
Coding change: c.797A>G on transcript NM_018100.4 (MANE Select); coding-DNA position 797, A replaced by G.
Protein change: p.Tyr266Cys; replaces tyrosine 266 with cysteine.
Molecular consequence: missense variant. On other transcripts: non-coding transcript variant (1).
Genome position (GRCh38, 1-based): chr6:52,454,168, A>G. VCF-style: chr6-52454168-A-G. GRCh37 (hg19) VCF-style: chr6-52318966-A-G.
Other names: c.740A>G, p.Tyr247Cys (NM_001172420.2); short protein forms Y266C, Y247C.
Identifiers: ClinVar variation 570748 (VCV000570748.10), dbSNP rs536323609, ClinGen allele CA3855921.